The following is an entry in ClinVar:

ClinVar aggregate classification (germline): Uncertain significance. Review status: criteria provided, multiple submitters, no conflicts (2 of 4 stars). 5 submissions from 5 submitters: Uncertain significance (5). Last evaluated 2025-06-23.

Conditions:
Hereditary cancer-predisposing syndrome. Also called: Neoplastic Syndromes, Hereditary; Tumor predisposition; Hereditary Cancer Syndrome; Hereditary neoplastic syndrome. Identifiers: Orphanet 140162, MedGen C0027672, MeSH D009386, MONDO:0015356.
Rapadilino syndrome. Identifiers: Orphanet 3021, MedGen C1849453, MONDO:0009955, OMIM 266280.
Baller-Gerold syndrome (BGS). Also called: CRANIOSYNOSTOSIS WITH RADIAL DEFECTS. Identifiers: Orphanet 1225, MedGen C0265308, MONDO:0009039, OMIM 218600.
Rothmund-Thomson syndrome (RTS). Also called: Poikiloderma Congenitale; Poikiloderma of Rothmund-Thomson. Identifiers: Orphanet 2909, MedGen C0032339, MONDO:0010002.

Allele frequency attached by ClinVar (database versions not stated): gnomAD 0.00003; TOPMed 0.00008.
gnomAD v4.1: 106 of 1,612,420 alleles (0.0066%); highest among the groups gnomAD compares: Middle Eastern, 0.033%; 1 homozygote.

Submissions (5):

GeneDx
Classification: Uncertain significance. Last evaluated: 2025-06-23. Review status: criteria provided, single submitter. Criteria: GeneDx Variant Classification Process June 2021. Collection method: clinical testing. Allele origin: germline. Affected: yes.
Comment: In silico analysis supports that this missense variant has a deleterious effect on protein structure/function; Has not been previously published as pathogenic or benign to our knowledge

Blueprint Genetics
Classification: Uncertain significance. Last evaluated: 2024-11-06. Review status: criteria provided, single submitter. Criteria: ACMG Guidelines, 2015. Collection method: clinical testing. Allele origin: germline.

Labcorp Genetics (formerly Invitae), Labcorp
Classification: Uncertain significance for Baller-Gerold syndrome. Last evaluated: 2024-10-29. Review status: criteria provided, single submitter. Criteria: Invitae Variant Classification Sherloc (09022015). Collection method: clinical testing. Allele origin: germline.
Comment: This sequence change replaces glycine, which is neutral and non-polar, with arginine, which is basic and polar, at codon 1178 of the RECQL4 protein (p.Gly1178Arg). This variant is present in population databases (rs776146178, gnomAD 0.02%). This variant has not been reported in the literature in individuals affected with RECQL4-related conditions. ClinVar contains an entry for this variant (Variation ID: 406901). Invitae Evidence Modeling of protein sequence and biophysical properties (such as structural, functional, and spatial information, amino acid conservation, physicochemical variation, residue mobility, and thermodynamic stability) indicates that this missense variant is expected to disrupt RECQL4 protein function with a positive predictive value of 80%. In summary, the available evidence is currently insufficient to determine the role of this variant in disease. Therefore, it has been classified as a Variant of Uncertain Significance.

Sema4
Classification: Uncertain significance for Hereditary cancer-predisposing syndrome. Last evaluated: 2022-03-01. Review status: criteria provided, single submitter. Criteria: Sema4 Curation Guidelines. Collection method: curation. Allele origin: germline.
Comment: The RECQL4 c.3532G>A (p.G1178R) variant has not been reported in the literature to our knowledge. This variant was observed in 6/30586 chromosomes in the South Asian population according to the Genome Aggregation Database (PMID: 32461654). This variant has been reported in ClinVar (Variation ID: 406901). In silico tools suggest the impact of the variant on protein function is deleterious, though these predictions have not been confirmed by functional studies. The evidence is insufficient to meet ACMG/AMP criteria for classifying the variant as benign or pathogenic. Thus, the clinical significance of this variant is currently uncertain.

Fulgent Genetics
Classification: Uncertain significance for Baller-Gerold syndrome; Rapadilino syndrome; Rothmund-Thomson syndrome type 2. Last evaluated: 2018-10-31. Review status: criteria provided, single submitter. Criteria: ACMG Guidelines, 2015. Collection method: clinical testing. Allele origin: unknown.

NM_004260.4(RECQL4):c.3532G>A (p.Gly1178Arg)

Gene: RECQL4 (RecQ like helicase 4; minus strand). Cytogenetic location: 8q24.3.
Variant type: single nucleotide variant.
Coding change: c.3532G>A on transcript NM_004260.4 (MANE Select); coding-DNA position 3532, G replaced by A.
Protein change: p.Gly1178Arg; replaces glycine 1178 with arginine.
Molecular consequence: missense variant.
Genome position (GRCh38, 1-based): chr8:144,511,526, C>T on the plus strand (G>A on the coding strand, the complement: RECQL4 is on the minus strand). VCF-style: chr8-144511526-C-T. GRCh37 (hg19) VCF-style: chr8-145736909-C-T.
Other names: short protein forms G1178R.
Identifiers: ClinVar variation 406901 (VCV000406901.12), dbSNP rs776146178, ClinGen allele CA4947657.